The following is an entry in ClinVar:

NM_012199.5(AGO1):c.569T>C (p.Leu190Pro)

Gene: AGO1 (argonaute RISC component 1; plus strand). Cytogenetic location: 1p34.3.
Variant type: single nucleotide variant.
Coding change: c.569T>C on transcript NM_012199.5 (MANE Select); coding-DNA position 569, T replaced by C.
Protein change: p.Leu190Pro; replaces leucine 190 with proline.
Molecular consequence: missense variant.
Genome position (GRCh38, 1-based): chr1:35,893,730, T>C. VCF-style: chr1-35893730-T-C. GRCh37 (hg19) VCF-style: chr1-36359331-T-C.
Other names: c.569T>C, p.Leu190Pro (NM_001317122.2); c.344T>C, p.Leu115Pro (NM_001317123.2); short protein forms L115P, L190P.
Identifiers: ClinVar variation 984614 (VCV000984614.4), dbSNP rs1645264815, ClinGen allele CA339367361.

ClinVar aggregate classification (germline): Likely pathogenic. Review status: criteria provided, single submitter (1 of 4 stars). 3 submissions from 3 submitters: Likely pathogenic (1). 2 of the submissions do not count toward it. Last evaluated 2021-12-08.

Conditions:
Neurodevelopmental disorder with language delay and behavioral abnormalities, with or without seizures (NEDLBAS). Identifiers: MedGen C5830365, MONDO:0859531, OMIM 620292.
Neurodevelopmental abnormality. Identifiers: MedGen C4022737, HP:0012759.

Submissions (3):

Institute for Clinical Genetics, University Hospital TU Dresden, University Hospital TU Dresden
Classification: Likely pathogenic. Last evaluated: 2021-12-08. Review status: criteria provided, single submitter. Criteria: ACMG Guidelines, 2015. Collection method: clinical testing. Allele origin: germline.
Comment: PM1, PS4_MOD, PP3, PP2, PM2_SUP

Department of Genetics, Rouen University Hospital, Normandy Center for Genomic and Personalized Medicine
Classification: Likely pathogenic for Neurodevelopmental abnormality. Last evaluated: 2020-06-04. Review status: no assertion criteria provided. Collection method: clinical testing. Allele origin: de novo. Affected: yes. Not counted in ClinVar's aggregate classification.

OMIM
Classification: Pathogenic for NEURODEVELOPMENTAL DISORDER WITH LANGUAGE DELAY AND BEHAVIORAL ABNORMALITIES, WITH OR WITHOUT SEIZURES. Last evaluated: 2012-11-10. Review status: no assertion criteria provided. Collection method: literature only. Allele origin: germline. Not counted in ClinVar's aggregate classification.

Literature cited by the submitters: PubMed 23020937 (cited by OMIM); PubMed 34930816 (cited by OMIM).